The following is an entry in ClinVar:

NM_000268.4(NF2):c.799A>G (p.Ser267Gly)

Gene: NF2 (NF2, moesin-ezrin-radixin like (MERLIN) tumor suppressor; plus strand). Cytogenetic location: 22q12.2.
Variant type: single nucleotide variant.
Coding change: c.799A>G on transcript NM_000268.4 (MANE Select); coding-DNA position 799, A replaced by G.
Protein change: p.Ser267Gly; replaces serine 267 with glycine.
Molecular consequence: missense variant. On other transcripts: non-coding transcript variant (1), intron variant (1).
Genome position (GRCh38, 1-based): chr22:29,661,328, A>G. VCF-style: chr22-29661328-A-G. GRCh37 (hg19) VCF-style: chr22-30057317-A-G.
Other names: c.799A>G, p.Ser267Gly (NM_016418.5, NM_181825.3, NM_181832.3); c.673A>G, p.Ser225Gly (NM_181828.3); c.676A>G, p.Ser226Gly (NM_181829.3); c.550A>G, p.Ser184Gly (NM_181830.3, NM_181831.3); c.447+19043A>G (NM_181833.3); c.799A>G (NM_000268.3); short protein forms S184G, S225G, S226G, S267G.
Identifiers: ClinVar variation 1469853 (VCV001469853.9), dbSNP rs2147011121, ClinGen allele CA411144167.

ClinVar aggregate classification (germline): Uncertain significance. Review status: criteria provided, multiple submitters, no conflicts (2 of 4 stars). 2 submissions from 2 submitters: Uncertain significance (2). Last evaluated 2025-11-08.

Conditions:
Neurofibromatosis, type 2 (SWNV). Also called: BILATERAL ACOUSTIC NEUROFIBROMATOSIS; SCHWANNOMATOSIS, VESTIBULAR; NF2-Related Schwannomatosis. Identifiers: Orphanet 637, MedGen C0027832, MONDO:0007039, OMIM 101000. Disease mechanism: loss of function.
Hereditary cancer-predisposing syndrome. Also called: Tumor predisposition; Neoplastic Syndromes, Hereditary; Hereditary Cancer Syndrome; Hereditary neoplastic syndrome. Identifiers: Orphanet 140162, MedGen C0027672, MeSH D009386, MONDO:0015356.

Submissions (2):

Ambry Genetics
Classification: Uncertain significance for Hereditary cancer-predisposing syndrome. Last evaluated: 2025-11-08. Review status: criteria provided, single submitter. Criteria: Ambry Variant Classification Scheme 2023. Collection method: clinical testing. Allele origin: germline.
Comment: The p.S267G variant (also known as c.799A>G), located in coding exon 8 of the NF2 gene, results from an A to G substitution at nucleotide position 799. The serine at codon 267 is replaced by glycine, an amino acid with similar properties. This amino acid position is conserved. In addition, the in silico prediction for this alteration is inconclusive. Based on the available evidence, the clinical significance of this variant remains unclear.

Labcorp Genetics (formerly Invitae), Labcorp
Classification: Uncertain significance for Neurofibromatosis, type 2. Last evaluated: 2021-04-23. Review status: criteria provided, single submitter. Criteria: Invitae Variant Classification Sherloc (09022015). Collection method: clinical testing. Allele origin: germline.
Comment: In summary, the available evidence is currently insufficient to determine the role of this variant in disease. Therefore, it has been classified as a Variant of Uncertain Significance. Algorithms developed to predict the effect of missense changes on protein structure and function are either unavailable or do not agree on the potential impact of this missense change (SIFT: "Tolerated"; PolyPhen-2: "Possibly Damaging"; Align-GVGD: "Class C0"). This variant has not been reported in the literature in individuals with NF2-related conditions. This variant is not present in population databases (ExAC no frequency). This sequence change replaces serine with glycine at codon 267 of the NF2 protein (p.Ser267Gly). The serine residue is highly conserved and there is a small physicochemical difference between serine and glycine.